The following is an entry in ClinVar:

ClinVar aggregate classification (germline): Uncertain significance (1 of 4 stars; one submission).

Submission:

Ambry Genetics
Classification: Uncertain significance. Last evaluated: 2026-08-18. Review status: criteria provided, single submitter. Criteria: Ambry Variant Classification Scheme 2023. Collection method: clinical testing. Allele origin: germline.
Comment: The p.Q273R variant (also known as c.818A>G), located in coding exon 1 of the TET2 gene, results from an A to G substitution at nucleotide position 818. The glutamine at codon 273 is replaced by arginine, an amino acid with highly similar properties. This amino acid position is conserved. In addition, this alteration is predicted to be tolerated by in silico analysis. Based on the available evidence, the clinical significance of this variant remains unclear.

NM_001127208.3(TET2):c.818A>G (p.Gln273Arg)

Genes: TET2 (tet methylcytosine dioxygenase 2; plus strand), TET2-AS1 (TET2 antisense RNA 1; minus strand). Cytogenetic location: 4q24.
Variant type: single nucleotide variant.
Coding change: c.818A>G on transcript NM_001127208.3 (MANE Select); coding-DNA position 818, A replaced by G.
Protein change: p.Gln273Arg; replaces glutamine 273 with arginine.
Molecular consequence: missense variant.
Genome position (GRCh38, 1-based): chr4:105,234,760, A>G. VCF-style: chr4-105234760-A-G. GRCh37 (hg19) VCF-style: chr4-106155917-A-G.
Other names: c.818A>G, p.Gln273Arg (NM_017628.4); short protein forms Q273R.
Identifiers: ClinVar variation 5030756 (VCV005030756.1).